The following is an entry in ClinVar:

NM_001040108.2(MLH3):c.1436C>T (p.Ser479Leu)

Gene: MLH3 (mutL homolog 3; minus strand). Cytogenetic location: 14q24.3.
Variant type: single nucleotide variant.
Coding change: c.1436C>T on transcript NM_001040108.2 (MANE Select); coding-DNA position 1436, C replaced by T.
Protein change: p.Ser479Leu; replaces serine 479 with leucine.
Molecular consequence: missense variant.
Genome position (GRCh38, 1-based): chr14:75,048,220, G>A on the plus strand (C>T on the coding strand, the complement: MLH3 is on the minus strand). VCF-style: chr14-75048220-G-A. GRCh37 (hg19) VCF-style: chr14-75514923-G-A.
Other names: c.1436C>T, p.Ser479Leu (NM_014381.3); short protein forms S479L.
Identifiers: ClinVar variation 845431 (VCV000845431.10), dbSNP rs1892400504, ClinGen allele CA390445682.

ClinVar aggregate classification (germline): Uncertain significance. Review status: criteria provided, multiple submitters, no conflicts (2 of 4 stars). 2 submissions from 2 submitters: Uncertain significance (2). Last evaluated 2024-07-01.

Conditions:
Colorectal cancer, hereditary nonpolyposis, type 7. Identifiers: Orphanet 144, MedGen C1858380, MONDO:0013725, OMIM 614385.

Submissions (2):

Ambry Genetics
Classification: Uncertain significance. Last evaluated: 2024-07-01. Review status: criteria provided, single submitter. Criteria: Ambry Variant Classification Scheme 2023. Collection method: clinical testing. Allele origin: germline.
Comment: The p.S479L variant (also known as c.1436C>T), located in coding exon 1 of the MLH3 gene, results from a C to T substitution at nucleotide position 1436. The serine at codon 479 is replaced by leucine, an amino acid with dissimilar properties. This amino acid position is conserved. In addition, this alteration is predicted to be tolerated by in silico analysis. Based on the available evidence, the clinical significance of this variant remains unclear.

Labcorp Genetics (formerly Invitae), Labcorp
Classification: Uncertain significance for Colorectal cancer, hereditary nonpolyposis, type 7. Last evaluated: 2021-03-25. Review status: criteria provided, single submitter. Criteria: Invitae Variant Classification Sherloc (09022015). Collection method: clinical testing. Allele origin: germline.
Comment: In summary, the available evidence is currently insufficient to determine the role of this variant in disease. Therefore, it has been classified as a Variant of Uncertain Significance. Algorithms developed to predict the effect of missense changes on protein structure and function are either unavailable or do not agree on the potential impact of this missense change (SIFT: "Deleterious"; PolyPhen-2: "Benign"; Align-GVGD: "Class C0"). This variant has not been reported in the literature in individuals with MLH3-related conditions. This variant is not present in population databases (ExAC no frequency). This sequence change replaces serine with leucine at codon 479 of the MLH3 protein (p.Ser479Leu). The serine residue is moderately conserved and there is a large physicochemical difference between serine and leucine.